The following is an entry in ClinVar:

ClinVar aggregate classification (germline): Conflicting classifications of pathogenicity. Review status: criteria provided, conflicting classifications (1 of 4 stars). 3 submissions from 3 submitters: Uncertain significance (2); Likely benign (1). Last evaluated 2024-05-15.

Conditions:
Autosomal recessive nonsyndromic hearing loss 35. Identifiers: Orphanet 90636, MedGen C1837857, MONDO:0012060, OMIM 608565.

Allele frequency attached by ClinVar (database versions not stated): ExAC 0.00005; gnomAD exomes 0.00005 and 0.00009; TOPMed 0.00005; gnomAD 0.00007; 1000 Genomes Project 30x 0.00016; 1000 Genomes Project 0.00020.
gnomAD v4.1: 140 of 1,614,054 alleles (0.0087%); highest among the groups gnomAD compares: Non-Finnish European, 0.011%; no homozygotes.

Submissions (3):

Labcorp Genetics (formerly Invitae), Labcorp
Classification: Likely benign. Last evaluated: 2024-05-15. Review status: criteria provided, single submitter. Criteria: Invitae Variant Classification Sherloc (09022015). Collection method: clinical testing. Allele origin: germline.

Illumina Laboratory Services, Illumina
Classification: Uncertain significance for Autosomal recessive nonsyndromic hearing loss 35. Last evaluated: 2018-01-13. Review status: criteria provided, single submitter. Criteria: ICSL Variant Classification Criteria 13 December 2019. Collection method: clinical testing. Allele origin: germline.

Laboratory for Molecular Medicine, Mass General Brigham Personalized Medicine
Classification: Uncertain significance. Last evaluated: 2014-03-06. Review status: criteria provided, single submitter. Criteria: LMM Criteria. Collection method: clinical testing. Allele origin: germline. Observed: 1 variant allele.
Comment: Variant classified as Uncertain Significance - Favor Benign. The 626-10G>A varia nt in ESRRB has not been previously reported in individuals with hearing loss an d was absent from large population studies. This variant is located in the 3' sp lice region, but is not located in the invariant (-1/-2) positions in the splice site consensus sequence. Computational tools do not suggest an impact to splici ng; however, this information is not predictive enough to rule out pathogenicity . In summary, the clinical significance of this variant cannot be determine with certainty; however based upon the computational data, we lean towards a more li kely benign role.

NM_001379180.1(ESRRB):c.689-10G>A

Gene: ESRRB (estrogen related receptor beta; plus strand). Cytogenetic location: 14q24.3.
Variant type: single nucleotide variant.
Coding change: c.689-10G>A on transcript NM_001379180.1 (MANE Select); 10 bases into the intron before coding-DNA position 689, G replaced by A.
Molecular consequence: intron variant.
Genome position (GRCh38, 1-based): chr14:76,482,588, G>A. VCF-style: chr14-76482588-G-A. GRCh37 (hg19) VCF-style: chr14-76948931-G-A.
Other names: c.626-10G>A (NM_004452.4).
Identifiers: ClinVar variation 179615 (VCV000179615.10), dbSNP rs534216019, ClinGen allele CA184786.